The following is an entry in ClinVar:

ClinVar aggregate classification (germline): Uncertain significance (1 of 4 stars; one submission).

Submission:

CeGaT Center for Human Genetics Tuebingen
Classification: Uncertain significance. Last evaluated: 2026-03-01. Review status: criteria provided, single submitter. Criteria: CeGaT Center For Human Genetics Tuebingen Variant Classification Criteria Version 2. Collection method: clinical testing. Allele origin: germline. Affected: yes. Observed: 1 variant allele.
Comment: FTSJ1: PM2

NM_012280.4(FTSJ1):c.170A>C (p.Gln57Pro)

Gene: FTSJ1 (FtsJ RNA 2'-O-methyltransferase 1; plus strand). Cytogenetic location: Xp11.23.
Variant type: single nucleotide variant.
Coding change: c.170A>C on transcript NM_012280.4 (MANE Select); coding-DNA position 170, A replaced by C.
Protein change: p.Gln57Pro; replaces glutamine 57 with proline.
Molecular consequence: missense variant. On other transcripts: intron variant (1).
Genome position (GRCh38, 1-based): chrX:48,478,497, A>C. VCF-style: chrX-48478497-A-C. GRCh37 (hg19) VCF-style: chrX-48336885-A-C.
Other names: c.170A>C, p.Gln57Pro (NM_001441195.1, NM_001441196.1, NM_001441197.1 and 4 more transcripts); c.-76-541A>C (NM_001282157.2); short protein forms Q57P.
Identifiers: ClinVar variation 4823824 (VCV004823824.4).